The following is an entry in ClinVar:

NM_019066.5(MAGEL2):c.1121G>A (p.Gly374Glu)

Gene: MAGEL2 (MAGE family member L2; minus strand). Cytogenetic location: 15q11.2.
Variant type: single nucleotide variant.
Coding change: c.1121G>A on transcript NM_019066.5 (MANE Select); coding-DNA position 1121, G replaced by A.
Protein change: p.Gly374Glu; replaces glycine 374 with glutamic acid.
Molecular consequence: missense variant.
Genome position (GRCh38, 1-based): chr15:23,646,622, C>T on the plus strand (G>A on the coding strand, the complement: MAGEL2 is on the minus strand). VCF-style: chr15-23646622-C-T. GRCh37 (hg19) VCF-style: chr15-23891769-C-T.
Other names: c.1121G>A (NM_019066.4); short protein forms G374E.
Identifiers: ClinVar variation 4694748 (VCV004694748.2).

ClinVar aggregate classification (germline): Uncertain significance. Review status: criteria provided, multiple submitters, no conflicts (2 of 4 stars). 2 submissions from 2 submitters: Uncertain significance (2). Last evaluated 2026-06-23.

Conditions:
MAGEL2-related disorder. Also called: MAGEL2-related condition.

Submissions (2):

PreventionGenetics, part of Exact Sciences
Classification: Uncertain significance for MAGEL2-related condition. Last evaluated: 2026-06-23. Review status: criteria provided, single submitter. Criteria: ACMG Guidelines, 2015. Collection method: clinical testing. Allele origin: germline.
Comment: The MAGEL2 c.1121G>A variant is predicted to result in the amino acid substitution p.Gly374Glu. To our knowledge, this variant has not been reported in the literature. This variant is reported in 0.053% of alleles in individuals of South Asian descent in gnomAD. Although we suspect that this variant may be benign, at this time, the clinical significance of this variant is uncertain due to the absence of conclusive functional and genetic evidence.

Labcorp Genetics (formerly Invitae), Labcorp
Classification: Uncertain significance. Last evaluated: 2026-01-11. Review status: criteria provided, single submitter. Criteria: Invitae Variant Classification Sherloc (09022015). Collection method: clinical testing. Allele origin: germline.
Comment: This sequence change replaces glycine, which is neutral and non-polar, with glutamic acid, which is acidic and polar, at codon 374 of the MAGEL2 protein (p.Gly374Glu). This variant is present in population databases (no rsID available, gnomAD 0.05%), and has an allele count higher than expected for a pathogenic variant. This variant has not been reported in the literature in individuals affected with MAGEL2-related conditions. Experimental studies and prediction algorithms are not available or were not evaluated, and the functional significance of this variant is currently unknown. In summary, the available evidence is currently insufficient to determine the role of this variant in disease. Therefore, it has been classified as a Variant of Uncertain Significance.